The following is an entry in ClinVar:

ClinVar aggregate classification (germline): Likely benign. Review status: criteria provided, multiple submitters, no conflicts (2 of 4 stars). 4 submissions from 4 submitters: Likely benign (4). Last evaluated 2025-03-29.

Conditions:
Cardiovascular phenotype. Identifiers: MedGen CN230736.
Arrhythmogenic right ventricular dysplasia 5. Also called: Arrhythmogenic Right Ventricular Dysplasia/Cardiomyopathy 5; ARRHYTHMOGENIC RIGHT VENTRICULAR DYSPLASIA, FAMILIAL, 5. Identifiers: MedGen C1858379, MONDO:0011459, OMIM 604400.
Cardiomyopathy (CMYO). Also called: Cardiomyopathies. Identifiers: Orphanet 167848, MedGen C0878544, MONDO:0004994, HP:0001638. Inheritance: Various modes of inheritance.

Allele frequency attached by ClinVar (database versions not stated): ExAC 0.00001; gnomAD 0.00001; gnomAD exomes 0.00001 and 0.00002; TOPMed 0.00001.
gnomAD v4.1: 9 of 1,613,242 alleles (0.00056%); highest among the groups gnomAD compares: East Asian, 0.02%; no homozygotes.

Submissions (4):

Labcorp Genetics (formerly Invitae), Labcorp
Classification: Likely benign for Arrhythmogenic right ventricular dysplasia 5. Last evaluated: 2025-03-29. Review status: criteria provided, single submitter. Criteria: Invitae Variant Classification Sherloc (09022015). Collection method: clinical testing. Allele origin: germline.

Ambry Genetics
Classification: Likely benign for Cardiovascular phenotype. Last evaluated: 2024-04-25. Review status: criteria provided, single submitter. Criteria: Ambry Variant Classification Scheme 2023. Collection method: clinical testing. Allele origin: germline.

All of Us Research Program, National Institutes of Health
Classification: Likely benign for Arrhythmogenic right ventricular dysplasia 5. Last evaluated: 2023-12-13. Review status: criteria provided, single submitter. Criteria: ACMG Guidelines, 2015. Collection method: clinical testing. Allele origin: germline. Inheritance: Autosomal dominant inheritance. Observed: 2 variant alleles, 2 heterozygotes.
Comment: This study involves interpretation of variants in research participants for the purpose of population health screening. Participant phenotype was not available at the time of variant classification. Additional details can be found in publication PMID: 35346344, PMCID: PMC8962531

Color Diagnostics, LLC DBA Color Health
Classification: Likely benign for Cardiomyopathy. Last evaluated: 2019-04-26. Review status: criteria provided, single submitter. Criteria: ACMG Guidelines, 2015. Collection method: clinical testing. Allele origin: germline.

NM_024334.3(TMEM43):c.993C>T (p.Tyr331=)

Gene: TMEM43 (transmembrane protein 43; plus strand). Cytogenetic location: 3p25.1.
Variant type: single nucleotide variant.
Coding change: c.993C>T on transcript NM_024334.3 (MANE Select); coding-DNA position 993, C replaced by T.
Protein change: p.Tyr331=; no amino-acid change (tyrosine 331 retained).
Molecular consequence: synonymous variant.
Genome position (GRCh38, 1-based): chr3:14,139,290, C>T. VCF-style: chr3-14139290-C-T. GRCh37 (hg19) VCF-style: chr3-14180790-C-T.
Identifiers: ClinVar variation 921483 (VCV000921483.12), dbSNP rs755042745, ClinGen allele CA056410.
Genomic context (GRCh38, chr3:14,139,290, plus strand): 5'-GCGGGCAGCTGGCTGGATGGCCATGTTCATGGGCCTCAACCTTATGACACGGATCCTCTA[C>T]ACCTTGGGTAGGTGTTGGGGTGGGTCACTGCCCTCCCTCCTGCACCCTGAAAGGGCCTCC-3'
Protein context (NP_077310.1, residues 321-341): MGLNLMTRIL[Tyr331=]TLVDWFPVFR